The following is an entry in ClinVar:

NM_004380.3(CREBBP):c.4812del (p.Asn1604fs)

Gene: CREBBP (CREB binding lysine acetyltransferase; minus strand). Cytogenetic location: 16p13.3.
Variant type: Deletion.
Coding change: c.4812del on transcript NM_004380.3 (MANE Select); coding-DNA position 4812, one base deleted (C; older notation c.4812delC).
Protein change: p.Asn1604fs; shifts the reading frame from asparagine 1604.
Molecular consequence: frameshift variant.
Genome position (GRCh38, 1-based): chr16:3,731,854, G deleted on the plus strand (C on the coding strand, the reverse complement: CREBBP is on the minus strand). VCF-style (leftmost placement, unchanged base first): chr16-3731853-TG-T. GRCh37 (hg19) VCF-style: chr16-3781854-TG-T.
Other names: c.4698del, p.Asn1566fs (NM_001079846.1); short protein forms N1566fs, N1604fs.
Identifiers: ClinVar variation 3366904 (VCV003366904.2).

ClinVar aggregate classification (germline): Likely pathogenic (1 of 4 stars; one submission).

Conditions:
Rubinstein-Taybi syndrome due to CREBBP mutations (RSTS1). Also called: BROAD THUMB-HALLUX SYNDROME; CREBBP-Related Rubinstein-Taybi Syndrome; RUBINSTEIN-TAYBI SYNDROME 1, INCOMPLETE; RUBINSTEIN SYNDROME; Rubinstein-Taybi syndrome 1; BROAD THUMBS AND GREAT TOES, CHARACTERISTIC FACIES, AND IMPAIRED INTELLECTUAL DEVELOPMENT. Identifiers: Orphanet 353277, Orphanet 783, MedGen C4551859, MONDO:0008393, OMIM 180849.

Submission:

Kasturba Medical College, Manipal, Kasturba Medical College, Manipal, Manipal Academy of Higher Education, Manipal, India
Classification: Likely pathogenic for Rubinstein-Taybi syndrome due to CREBBP mutations. Review status: criteria provided, single submitter. Criteria: ACMG Guidelines, 2015. Collection method: clinical testing. Allele origin: de novo. Inheritance: Autosomal dominant inheritance. Affected: yes. Observed: 1 heterozygote.
Comment: This single nucleotide deletion likely causes shift in the reading frame of the transcript and introduces a premature termination codon, which may either result in a truncated protein or trigger nonsense-mediated mRNA decay.